The following is an entry in ClinVar:

NM_001845.6(COL4A1):c.3325+3A>T

Gene: COL4A1 (collagen type IV alpha 1 chain; minus strand). Cytogenetic location: 13q34.
Variant type: single nucleotide variant.
Coding change: c.3325+3A>T on transcript NM_001845.6 (MANE Select); 3 bases into the intron after coding-DNA position 3325, A replaced by T.
Molecular consequence: intron variant.
Genome position (GRCh38, 1-based): chr13:110,174,620, T>A on the plus strand (A>T on the coding strand, the complement: COL4A1 is on the minus strand). VCF-style: chr13-110174620-T-A. GRCh37 (hg19) VCF-style: chr13-110826967-T-A.
Identifiers: ClinVar variation 2440301 (VCV002440301.5), dbSNP rs1333818570, ClinGen allele CA612866313.

ClinVar aggregate classification (germline): Uncertain significance. Review status: criteria provided, multiple submitters, no conflicts (2 of 4 stars). 2 submissions from 2 submitters: Uncertain significance (2). Last evaluated 2025-07-02.

Allele frequency attached by ClinVar (database versions not stated): TOPMed below 0.00001.
gnomAD v4.1: 4 of 1,614,152 alleles (0.00025%); highest among the groups gnomAD compares: Non-Finnish European, 0.00034%; no homozygotes.

Submissions (2):

Labcorp Genetics (formerly Invitae), Labcorp
Classification: Uncertain significance. Last evaluated: 2025-07-02. Review status: criteria provided, single submitter. Criteria: Invitae Variant Classification Sherloc (09022015). Collection method: clinical testing. Allele origin: germline.
Comment: This sequence change falls in intron 38 of the COL4A1 gene. It does not directly change the encoded amino acid sequence of the COL4A1 protein. It affects a nucleotide within the consensus splice site. This variant is present in population databases (no rsID available, gnomAD 0.0009%). This variant has not been reported in the literature in individuals affected with COL4A1-related conditions. ClinVar contains an entry for this variant (Variation ID: 2440301). Variants that disrupt the consensus splice site are a relatively common cause of aberrant splicing (PMID: 17576681, 9536098). Algorithms developed to predict the effect of sequence changes on RNA splicing suggest that this variant is not likely to affect RNA splicing. In summary, the available evidence is currently insufficient to determine the role of this variant in disease. Therefore, it has been classified as a Variant of Uncertain Significance.

Revvity Omics, Revvity
Classification: Uncertain significance. Last evaluated: 2022-05-26. Review status: criteria provided, single submitter. Criteria: ACMG Guidelines, 2015. Collection method: clinical testing. Allele origin: germline.

Literature cited by the submitters: PubMed 17576681 (cited by Labcorp Genetics (formerly Invitae), Labcorp); PubMed 9536098 (cited by Labcorp Genetics (formerly Invitae), Labcorp).